The following is an entry in ClinVar:

ClinVar aggregate classification (germline): Pathogenic/Likely pathogenic. Review status: criteria provided, multiple submitters, no conflicts (2 of 4 stars). 3 submissions from 3 submitters: Pathogenic (1); Likely pathogenic (2). Last evaluated 2025-09-10.

Conditions:
Thrombophilia due to protein S deficiency, autosomal dominant (THPH5). Identifiers: Orphanet 26349, Orphanet 743, MedGen C3278211, MONDO:0012868, OMIM 612336. Disease mechanism: loss of function.
Thrombophilia due to protein S deficiency, autosomal recessive (THPH6). Identifiers: Orphanet 743, MedGen C3281092, MONDO:0013791, OMIM 614514. Disease mechanism: loss of function.

Submissions (3):

Genomic Medicine Center of Excellence, King Faisal Specialist Hospital and Research Centre
Classification: Pathogenic for Thrombophilia due to protein S deficiency, autosomal dominant. Last evaluated: 2025-09-10. Review status: criteria provided, single submitter. Criteria: ACMG Guidelines, 2015. Collection method: clinical testing. Allele origin: germline.

New York Genome Center
Classification: Likely pathogenic for Thrombophilia due to protein S deficiency, autosomal dominant; Thrombophilia due to protein S deficiency, autosomal recessive. Last evaluated: 2023-05-25. Review status: criteria provided, single submitter. Criteria: NYGC Assertion Criteria 2020. Collection method: clinical testing. Allele origin: inherited. Observed: 1 heterozygote.
Comment: The inherited c.601+1G>A variant identified in the PROS1 gene is a canonical splice donor variant within intron 6/14, and is expected to lead to the loss of the splice donor (SpliceAI=0.81, donor loss). This variant is absent from population databases (gnomAD v2.1.1, gnomADv3.1.2, BRAVO-TOPMed, All of Us) suggesting it is not a common benign variant in the populations represented in those databases. This variant is reported in ClinVar as Likely Pathogenic [VarID:835217] and has been reported in one individual with Protein S deficiency in the literature [PMID:26046366] who was reported to have mildly low protein S activity (Supplementary Table S2; PMID:26046366). Given the available evidence, the inherited c.601+1G>A variant identified in the PROS1 gene is reported as Likely Pathogenic.

Labcorp Genetics (formerly Invitae), Labcorp
Classification: Likely pathogenic for Thrombophilia due to protein S deficiency, autosomal recessive. Last evaluated: 2023-03-25. Review status: criteria provided, single submitter. Criteria: Invitae Variant Classification Sherloc (09022015). Collection method: clinical testing. Allele origin: germline.
Comment: Disruption of this splice site has been observed in individual(s) with protein S deficiency (PMID: 26046366). This sequence change affects a donor splice site in intron 6 of the PROS1 gene. It is expected to disrupt RNA splicing. Variants that disrupt the donor or acceptor splice site typically lead to a loss of protein function (PMID: 16199547), and loss-of-function variants in PROS1 are known to be pathogenic (PMID: 9241758). This variant is not present in population databases (gnomAD no frequency). ClinVar contains an entry for this variant (Variation ID: 835217). Algorithms developed to predict the effect of sequence changes on RNA splicing suggest that this variant may disrupt the consensus splice site. In summary, the currently available evidence indicates that the variant is pathogenic, but additional data are needed to prove that conclusively. Therefore, this variant has been classified as Likely Pathogenic.

Literature cited by the submitters: PubMed 26046366 (cited by Labcorp Genetics (formerly Invitae), Labcorp); PubMed 16199547 (cited by Labcorp Genetics (formerly Invitae), Labcorp); PubMed 9241758 (cited by Labcorp Genetics (formerly Invitae), Labcorp).

NM_000313.4(PROS1):c.601+1G>A

Gene: PROS1 (protein S; minus strand). Cytogenetic location: 3q11.1.
Variant type: single nucleotide variant.
Coding change: c.601+1G>A on transcript NM_000313.4 (MANE Select); the canonical splice donor site of the intron after coding-DNA position 601, G replaced by A.
Molecular consequence: splice donor variant.
Genome position (GRCh38, 1-based): chr3:93,905,783, C>T on the plus strand (G>A on the coding strand, the complement: PROS1 is on the minus strand). VCF-style: chr3-93905783-C-T. GRCh37 (hg19) VCF-style: chr3-93624627-C-T.
Other names: c.697+1G>A (NM_001314077.2).
Identifiers: ClinVar variation 835217 (VCV000835217.9), dbSNP rs1708665916, ClinGen allele CA353673359.